The following is an entry in ClinVar:

NM_000061.3(BTK):c.1591G>T (p.Asp531Tyr)

Gene: BTK (Bruton tyrosine kinase; minus strand). Cytogenetic location: Xq22.1.
Variant type: single nucleotide variant.
Coding change: c.1591G>T on transcript NM_000061.3 (MANE Select); coding-DNA position 1591, G replaced by T.
Protein change: p.Asp531Tyr; replaces aspartic acid 531 with tyrosine.
Molecular consequence: missense variant.
Genome position (GRCh38, 1-based): chrX:101,354,670, C>A on the plus strand (G>T on the coding strand, the complement: BTK is on the minus strand). VCF-style: chrX-101354670-C-A. GRCh37 (hg19) VCF-style: chrX-100609658-C-A.
Other names: c.1693G>T, p.Asp565Tyr (NM_001287344.2); c.1063G>T, p.Asp355Tyr (NM_001287345.2); short protein forms D355Y, D531Y, D565Y.
Identifiers: ClinVar variation 2773276 (VCV002773276.3), dbSNP rs782740486, ClinGen allele CA413922287.

ClinVar aggregate classification (germline): Uncertain significance (1 of 4 stars; one submission).

Conditions:
X-linked agammaglobulinemia with growth hormone deficiency (IGHD3). Also called: FLEISHER SYNDROME; HYPOGAMMAGLOBULINEMIA AND ISOLATED GROWTH HORMONE DEFICIENCY, X-LINKED; IGHD III; ISOLATED GROWTH HORMONE DEFICIENCY, TYPE III, WITH AGAMMAGLOBULINEMIA; Isolated growth hormone deficiency type 3; Growth hormone deficiency with hypogammaglobulinemia. Identifiers: Orphanet 231692, Orphanet 631, MedGen C0472813, MONDO:0010615, OMIM 307200.

Submission:

Labcorp Genetics (formerly Invitae), Labcorp
Classification: Uncertain significance for X-linked agammaglobulinemia with growth hormone deficiency. Last evaluated: 2024-04-09. Review status: criteria provided, single submitter. Criteria: Invitae Variant Classification Sherloc (09022015). Collection method: clinical testing. Allele origin: germline.
Comment: This sequence change replaces aspartic acid, which is acidic and polar, with tyrosine, which is neutral and polar, at codon 531 of the BTK protein (p.Asp531Tyr). This variant is not present in population databases (gnomAD no frequency). This variant has not been reported in the literature in individuals affected with BTK-related conditions. Advanced modeling of protein sequence and biophysical properties (such as structural, functional, and spatial information, amino acid conservation, physicochemical variation, residue mobility, and thermodynamic stability) performed at Invitae indicates that this missense variant is not expected to disrupt BTK protein function with a negative predictive value of 80%. In summary, the available evidence is currently insufficient to determine the role of this variant in disease. Therefore, it has been classified as a Variant of Uncertain Significance.